The following is an entry in ClinVar:

ClinVar aggregate classification (germline): Uncertain significance. Review status: criteria provided, multiple submitters, no conflicts (2 of 4 stars). 2 submissions from 2 submitters: Uncertain significance (2). Last evaluated 2023-08-17.

Conditions:
Holoprosencephaly 11 (HPE11). Identifiers: Orphanet 2162, MedGen C3280215, MONDO:0013642, OMIM 614226.

Allele frequency attached by ClinVar (database versions not stated): gnomAD 0.00001; TOPMed 0.00002.
gnomAD v4.1: 63 of 1,613,042 alleles (0.0039%); highest among the groups gnomAD compares: Non-Finnish European, 0.0049%; no homozygotes.

Submissions (3):

Labcorp Genetics (formerly Invitae), Labcorp
Classification: Uncertain significance for Holoprosencephaly 11. Last evaluated: 2023-08-17. Review status: criteria provided, single submitter. Criteria: Invitae Variant Classification Sherloc (09022015). Collection method: clinical testing. Allele origin: germline.
Comment: This sequence change affects a donor splice site in intron 5 of the CDON gene. It is expected to disrupt RNA splicing. Variants that disrupt the donor or acceptor splice site typically lead to a loss of protein function (PMID: 16199547), however the current clinical and genetic evidence is not sufficient to establish whether loss-of-function variants in CDON cause disease. This variant is present in population databases (rs763917724, gnomAD 0.006%). This variant has not been reported in the literature in individuals affected with CDON-related conditions. ClinVar contains an entry for this variant (Variation ID: 1806171). Algorithms developed to predict the effect of sequence changes on RNA splicing suggest that this variant may disrupt the consensus splice site. In summary, the available evidence is currently insufficient to determine the role of this variant in disease. Therefore, it has been classified as a Variant of Uncertain Significance.

Victorian Clinical Genetics Services, Murdoch Childrens Research Institute
Classification: Uncertain significance for Holoprosencephaly 11. Last evaluated: 2022-06-24. Review status: criteria provided, single submitter. Criteria: ACMG Guidelines, 2015. Collection method: clinical testing. Allele origin: germline. Inheritance: Autosomal dominant inheritance. Affected: yes.
Comment: Based on the classification scheme VCGS_Germline_v1.3.4, this variant is classified as VUS-3B. Following criteria are met: 0102 - Loss of function is a known mechanism of disease in this gene and is associated with holoprosencephaly 11 (MIM#614226). (I) 0107 - This gene is associated with autosomal dominant disease. (I) 0211 - Canonical splice site variant without proven consequence on splicing (no functional evidence available). (SP) 0251 - This variant is heterozygous. (I) 0302 - Variant is present in gnomAD (v2) <0.001 for a dominant condition (7 heterozygotes, 0 homozygotes). (SP) 0311 - An alternative nucleotide variant at the same canonical splice site, is present in gnomAD (2 heterozygotes, 0 homozygotes). (I) 0505 - Abnormal splicing is predicted by in silico tools and affected nucleotide is highly conserved. (SP) 0705 - No comparable canonical splice variants have previous evidence for pathogenicity. (I) 0809 - Previous evidence of pathogenicity for this variant is inconclusive. This variant has been reported as a VUS (LOVD). (I) 0904 - Non-segregation of this variant with the phenotype under investigation has been clearly demonstrated. (I) 1007 - No published functional evidence has been identified for this variant. (I) Legend: (SP) - Supporting pathogenic, (I) - Information, (SB) - Supporting benign

Dr. Peter K. Rogan Lab, Western University
No classification provided (evidence only). Condition: Colon adenocarcinoma. Review status: no classification provided. Collection method: in vitro. Allele origin: not applicable. Functional consequence: skipped exon. Not counted in ClinVar's aggregate classification.

Literature cited by the submitters: PubMed 16199547 (cited by Labcorp Genetics (formerly Invitae), Labcorp).

NM_001378964.1(CDON):c.640+1G>A

Gene: CDON (cell adhesion associated, oncogene regulated; minus strand). Cytogenetic location: 11q24.2.
Variant type: single nucleotide variant.
Coding change: c.640+1G>A on transcript NM_001378964.1 (MANE Select); the canonical splice donor site of the intron after coding-DNA position 640, G replaced by A.
Molecular consequence: splice donor variant.
Genome position (GRCh38, 1-based): chr11:126,018,329, C>T on the plus strand (G>A on the coding strand, the complement: CDON is on the minus strand). VCF-style: chr11-126018329-C-T. GRCh37 (hg19) VCF-style: chr11-125888224-C-T.
Other names: c.640+1G>A (NM_001441166.1, NM_016952.6, NM_001243597.3 and 5 more transcripts).
Identifiers: ClinVar variation 1806171 (VCV001806171.5), dbSNP rs763917724, ClinGen allele CA6352287.